The following is an entry in ClinVar:

NM_017534.6(MYH2):c.1930AAG[2] (p.Lys646del)

Genes: MYH2 (myosin heavy chain 2; minus strand), MYHAS (myosin heavy chain gene cluster antisense RNA; plus strand). Cytogenetic location: 17p13.1.
Variant type: Microsatellite.
Coding change: c.1930AAG[2] on transcript NM_017534.6 (MANE Select); two copies in a row of the 3-base unit AAG starting at c.1930; the reference has three copies in a row; one copy, 3 bases deleted.
Protein change: p.Lys646del; deletes lysine 646.
Molecular consequence: inframe deletion.
Genome position (GRCh38, 1-based): chr17:10,536,566-10,536,568, CTT deleted on the plus strand (AAG on the coding strand, the reverse complement: MYH2 is on the minus strand); deleting any 3 consecutive bases within chr17:10,536,566-10,536,574 gives the same sequence; the position shown is the placement nearest the transcript's 3' end. VCF-style (leftmost placement, unchanged base first): chr17-10536565-CCTT-C. GRCh37 (hg19) VCF-style: chr17-10439882-CCTT-C.
Other names: c.1930AAG[2], p.Lys646del (NM_001100112.2); short protein forms K646del.
Identifiers: ClinVar variation 1399918 (VCV001399918.8), dbSNP rs2142309594, ClinGen allele CA912996947.

ClinVar aggregate classification (germline): Uncertain significance (1 of 4 stars; one submission).

Conditions:
Myopathy, proximal, and ophthalmoplegia (CMYO6). Also called: INCLUSION BODY MYOPATHY 3, AUTOSOMAL DOMINANT; CONGENITAL MYOPATHY 6 WITH OPHTHALMOPLEGIA; MYOPATHY WITH CONGENITAL JOINT CONTRACTURES, OPHTHALMOPLEGIA, AND RIMMED VACUOLES. Identifiers: Orphanet 363677, Orphanet 79091, MedGen C1854106, MONDO:0011577, OMIM 605637.

Submission:

Labcorp Genetics (formerly Invitae), Labcorp
Classification: Uncertain significance for Myopathy, proximal, and ophthalmoplegia. Last evaluated: 2024-10-15. Review status: criteria provided, single submitter. Criteria: Invitae Variant Classification Sherloc (09022015). Collection method: clinical testing. Allele origin: germline.
Comment: This variant, c.1936_1938del, results in the deletion of 1 amino acid(s) of the MYH2 protein (p.Lys646del), but otherwise preserves the integrity of the reading frame. This variant is not present in population databases (gnomAD no frequency). This variant has not been reported in the literature in individuals affected with MYH2-related conditions. Experimental studies and prediction algorithms are not available or were not evaluated, and the functional significance of this variant is currently unknown. Algorithms developed to predict the effect of sequence changes on RNA splicing suggest that this variant may disrupt the consensus splice site. In summary, the available evidence is currently insufficient to determine the role of this variant in disease. Therefore, it has been classified as a Variant of Uncertain Significance.